The following is an entry in ClinVar:

ClinVar aggregate classification (germline): Uncertain significance (1 of 4 stars; one submission).

Conditions:
Cataract 33. Also called: CATARACT 33, CORTICAL. Identifiers: Orphanet 91492, MedGen C3808107, MONDO:0012665, OMIM 611391.

Submission:

Labcorp Genetics (formerly Invitae), Labcorp
Classification: Uncertain significance for Cataract 33. Last evaluated: 2022-04-21. Review status: criteria provided, single submitter. Criteria: Invitae Variant Classification Sherloc (09022015). Collection method: clinical testing. Allele origin: germline.
Comment: A copy number gain of the genomic region encompassing the full coding sequence of the BFSP1 gene has been identified. The boundaries of this event are unknown as they extend beyond the assayed region for this gene and therefore may encompass additional genes. As the precise location of this event is unknown, it may be in tandem or it may be located elsewhere in the genome. This variant has not been reported in the literature in individuals affected with BFSP1-related conditions. In summary, the available evidence is currently insufficient to determine the role of this variant in disease. Therefore, it has been classified as a Variant of Uncertain Significance.

NC_000020.10:g.(?_17462209)_(17511974_?)dup

Genes: BFSP1 (beaded filament structural protein 1; minus strand), PCSK2 (proprotein convertase subtilisin/kexin type 2; plus strand). Cytogenetic location: 20p12.1.
Variant type: Duplication.
Identifiers: ClinVar variation 2423954 (VCV002423954.6).